The following is an entry in ClinVar:

ClinVar aggregate classification (germline): Uncertain significance (1 of 4 stars; one submission).

Conditions:
Coffin-Siris syndrome 7. Identifiers: MedGen C4747954, MONDO:0054831, OMIM 618027.

Submission:

Laboratorio de Genetica e Diagnostico Molecular, Hospital Israelita Albert Einstein
Classification: Uncertain significance for Coffin-Siris syndrome 7. Last evaluated: 2025-03-17. Review status: criteria provided, single submitter. Criteria: ACMG Guidelines, 2015. Collection method: clinical testing. Allele origin: germline. Affected: yes.
Comment: ACMG classification criteria: PM2 supporting

NM_006268.5(DPF2):c.1076del (p.Pro359fs)

Gene: DPF2 (double PHD fingers 2; plus strand). Cytogenetic location: 11q13.1.
Variant type: Deletion.
Coding change: c.1076del on transcript NM_006268.5 (MANE Select); coding-DNA position 1076, one base deleted (C; older notation c.1076delC).
Protein change: p.Pro359fs; shifts the reading frame from proline 359.
Molecular consequence: frameshift variant.
Genome position (GRCh38, 1-based): chr11:65,348,908, C deleted; the last of 4 consecutive C bases (chr11:65,348,905-65,348,908); deleting any one gives the same sequence. VCF-style (leftmost placement, unchanged base first): chr11-65348904-AC-A. GRCh37 (hg19) VCF-style: chr11-65116375-AC-A.
Other names: c.1118del, p.Pro373fs (NM_001330308.2); short protein forms P359fs, P373fs.
Identifiers: ClinVar variation 3901965 (VCV003901965.1).
Genomic context (GRCh38, chr11:65,348,904, plus strand): 5'-CTTCAGGACCAGTTGCTCTTCTGTGATGACTGCGATCGTGGCTACCACATGTACTGTCTC[AC>A]CCCGTCCATGTCTGAGCCCCCTGAAGGTAAGTTGCCCAGATCTTTTACTCAGAACAATTA-3'